The following is an entry in ClinVar:

ClinVar aggregate classification (germline): Uncertain significance (1 of 4 stars; one submission).

Conditions:
PURA-related severe neonatal hypotonia-seizures-encephalopathy syndrome (NEDRIHF). Also called: PURA-Related Neurodevelopmental Disorders; NEURODEVELOPMENTAL DISORDER WITH NEONATAL RESPIRATORY INSUFFICIENCY, HYPOTONIA, AND FEEDING DIFFICULTIES. Identifiers: Orphanet 438213, Orphanet 438216, MedGen C4015357, MONDO:1060108, OMIM 616158, MONDO:0018580.

Submission:

Labcorp Genetics (formerly Invitae), Labcorp
Classification: Uncertain significance for PURA-related severe neonatal hypotonia-seizures-encephalopathy syndrome. Last evaluated: 2024-08-19. Review status: criteria provided, single submitter. Criteria: Invitae Variant Classification Sherloc (09022015). Collection method: clinical testing. Allele origin: germline.
Comment: This sequence change replaces methionine, which is neutral and non-polar, with threonine, which is neutral and polar, at codon 157 of the PURA protein (p.Met157Thr). This variant is not present in population databases (gnomAD no frequency). This variant has not been reported in the literature in individuals affected with PURA-related conditions. Invitae Evidence Modeling of protein sequence and biophysical properties (such as structural, functional, and spatial information, amino acid conservation, physicochemical variation, residue mobility, and thermodynamic stability) indicates that this missense variant is not expected to disrupt PURA protein function with a negative predictive value of 80%. This variant disrupts the p.Met157 amino acid residue in PURA. Other variant(s) that disrupt this residue have been determined to be pathogenic (PMID: 25439098). This suggests that this residue is clinically significant, and that variants that disrupt this residue are likely to be disease-causing. In summary, the available evidence is currently insufficient to determine the role of this variant in disease. Therefore, it has been classified as a Variant of Uncertain Significance.

Literature cited by the submitters: PubMed 25439098.

NM_005859.5(PURA):c.470T>C (p.Met157Thr)

Gene: PURA (purine rich element binding protein A; plus strand). Cytogenetic location: 5q31.3.
Variant type: single nucleotide variant.
Coding change: c.470T>C on transcript NM_005859.5 (MANE Select); coding-DNA position 470, T replaced by C.
Protein change: p.Met157Thr; replaces methionine 157 with threonine.
Molecular consequence: missense variant.
Genome position (GRCh38, 1-based): chr5:140,114,651, T>C. VCF-style: chr5-140114651-T-C. GRCh37 (hg19) VCF-style: chr5-139494236-T-C.
Other names: short protein forms M157T.
Identifiers: ClinVar variation 3695038 (VCV003695038.2).